The following is an entry in ClinVar:

ClinVar aggregate classification (germline): Pathogenic (1 of 4 stars; one submission).

Submission:

Dasa
Classification: Pathogenic. Last evaluated: 2026-01-04. Review status: criteria provided, single submitter. Criteria: DASA Assertion Criteria. Collection method: clinical testing. Allele origin: germline.
Comment: NM_001271.4(CHD2):c.611dup (p.Gln205Alafs*5) is a frameshift variant in CHD2 predicted to alter the reading frame and introduce a premature termination codon and is predicted to result in an absent or altered protein product. Loss of function is an established disease mechanism for CHD2 (PMID: 23708187; PMID: 23020937; PMID: 24207121). This variant has been reported as a de novo occurrence in an affected individual (PMID: 38039826). Published studies describe this variant in association with related phenotype (PMID: 38039826). Also, this variant is absent from population databases. Based on the currently available evidence, this variant is classified as pathogenic.

Literature cited by the submitters: PubMed 38039826; PubMed 23708187; PubMed 23020937; PubMed 24207121.

NM_001271.4(CHD2):c.611dup (p.Gln205fs)

Gene: CHD2 (chromodomain helicase DNA binding protein 2; plus strand). Cytogenetic location: 15q26.1.
Variant type: Duplication.
Coding change: c.611dup on transcript NM_001271.4 (MANE Select); coding-DNA position 611, one base duplicated (A; older notation c.611dupA).
Protein change: p.Gln205fs; shifts the reading frame from glutamine 205.
Molecular consequence: frameshift variant.
Genome position (GRCh38, 1-based): chr15:92,939,637, A duplicated; the last of 6 consecutive A bases (chr15:92,939,632-92,939,637); duplicating any one gives the same sequence. VCF-style (leftmost placement, unchanged base first): chr15-92939631-G-GA. GRCh37 (hg19) VCF-style: chr15-93482861-G-GA.
Other names: c.611dup, p.Gln205fs (NM_001042572.3); short protein forms Q205fs.
Identifiers: ClinVar variation 4880662 (VCV004880662.2).